The following is an entry in ClinVar:

ClinVar aggregate classification (germline): Pathogenic (1 of 4 stars; one submission).

Submission:

Labcorp Genetics (formerly Invitae), Labcorp
Classification: Pathogenic. Last evaluated: 2025-01-21. Review status: criteria provided, single submitter. Criteria: Invitae Variant Classification Sherloc (09022015). Collection method: clinical testing. Allele origin: germline.
Comment: This sequence change creates a premature translational stop signal (p.Arg553Glufs*22) in the PDE6B gene. It is expected to result in an absent or disrupted protein product. Loss-of-function variants in PDE6B are known to be pathogenic (PMID: 8394174, 8595886, 22334370). This variant is not present in population databases (gnomAD no frequency). This variant has not been reported in the literature in individuals affected with PDE6B-related conditions. For these reasons, this variant has been classified as Pathogenic.

Literature cited by the submitters: PubMed 8394174; PubMed 8595886; PubMed 22334370.

NM_000283.4(PDE6B):c.1656del (p.Arg553fs)

Gene: PDE6B (phosphodiesterase 6B; plus strand). Cytogenetic location: 4p16.3.
Variant type: Deletion.
Coding change: c.1656del on transcript NM_000283.4 (MANE Select); coding-DNA position 1656, one base deleted (G; older notation c.1656delG).
Protein change: p.Arg553fs; shifts the reading frame from arginine 553.
Molecular consequence: frameshift variant.
Genome position (GRCh38, 1-based): chr4:662,175, G deleted; the last of 2 consecutive G bases (chr4:662,174-662,175); deleting either gives the same sequence. VCF-style (leftmost placement, unchanged base first): chr4-662173-CG-C. GRCh37 (hg19) VCF-style: chr4-655962-CG-C.
Other names: c.1656del, p.Arg553fs (NM_001145291.2); c.819del, p.Arg274fs (NM_001145292.2, NM_001350154.3, NM_001379246.1 and 1 more transcripts); c.501del, p.Arg168fs (NM_001350155.3); short protein forms R168fs, R553fs, R274fs.
Identifiers: ClinVar variation 3727345 (VCV003727345.2).